The following is an entry in ClinVar:

ClinVar aggregate classification (germline): Uncertain significance. Review status: criteria provided, multiple submitters, no conflicts (2 of 4 stars). 4 submissions from 4 submitters: Uncertain significance (4). Last evaluated 2024-08-30.

Conditions:
Fanconi anemia complementation group L (FANCL). Also called: FANCL-Related Fanconi Anemia. Identifiers: Orphanet 84, MedGen C3469528, MONDO:0013566, OMIM 614083.
Fanconi anemia (FA). Also called: Fanconi's anemia. Identifiers: Orphanet 84, MedGen C0015625, MeSH D005199, MONDO:0019391.

Allele frequency attached by ClinVar (database versions not stated): ExAC 0.00001; gnomAD 0.00001; gnomAD exomes 0.00001; TOPMed 0.00002.

Submissions (4):

Blueprint Genetics
Classification: Uncertain significance. Last evaluated: 2024-08-30. Review status: criteria provided, single submitter. Criteria: ACMG Guidelines, 2015. Collection method: clinical testing. Allele origin: germline.

Women's Health and Genetics/Laboratory Corporation of America, LabCorp
Classification: Uncertain significance. Last evaluated: 2024-03-28. Review status: criteria provided, single submitter. Criteria: LabCorp Variant Classification Summary - May 2015. Collection method: clinical testing. Allele origin: germline.
Comment: Variant summary: FANCL c.50C>G (p.Pro17Arg) results in a non-conservative amino acid change located in the Fanconi anemia complex, subunit FancL, WD-repeat containing domain of the encoded protein sequence. Four of five in-silico tools predict a damaging effect of the variant on protein function. The variant allele was found at a frequency of 1.2e-05 in 251388 control chromosomes (gnomAD). The available data on variant occurrences in the general population are insufficient to allow any conclusion about variant significance. c.50C>G has been reported in the literature in at least one individual affected with Fanconi Anemia (Nicchia_2015). This report does not provide unequivocal conclusions about association of the variant with Fanconi Anemia. To our knowledge, no experimental evidence demonstrating an impact on protein function has been reported. The following publication has been ascertained in the context of this evaluation (PMID: 26740942). ClinVar contains an entry for this variant (Variation ID: 1217241). Based on the evidence outlined above, the variant was classified as uncertain significance.

Labcorp Genetics (formerly Invitae), Labcorp
Classification: Uncertain significance for Fanconi anemia. Last evaluated: 2022-10-05. Review status: criteria provided, single submitter. Criteria: Invitae Variant Classification Sherloc (09022015). Collection method: clinical testing. Allele origin: germline.
Comment: This sequence change replaces proline, which is neutral and non-polar, with arginine, which is basic and polar, at codon 17 of the FANCL protein (p.Pro17Arg). This variant is present in population databases (rs773768206, gnomAD 0.003%). This missense change has been observed in individual(s) with Fanconi anemia (PMID: 26740942). ClinVar contains an entry for this variant (Variation ID: 1217241). Algorithms developed to predict the effect of missense changes on protein structure and function (SIFT, PolyPhen-2, Align-GVGD) all suggest that this variant is likely to be disruptive. In summary, the available evidence is currently insufficient to determine the role of this variant in disease. Therefore, it has been classified as a Variant of Uncertain Significance.

Fulgent Genetics
Classification: Uncertain significance for Fanconi anemia complementation group L. Last evaluated: 2022-03-01. Review status: criteria provided, single submitter. Criteria: ACMG Guidelines, 2015. Collection method: clinical testing. Allele origin: unknown.

Literature cited by the submitters: PubMed 26740942 (cited by Women's Health and Genetics/Laboratory Corporation of America, LabCorp and Labcorp Genetics (formerly Invitae), Labcorp).

NM_018062.4(FANCL):c.50C>G (p.Pro17Arg)

Gene: FANCL (FA complementation group L; minus strand). Cytogenetic location: 2p16.1.
Variant type: single nucleotide variant.
Coding change: c.50C>G on transcript NM_018062.4 (MANE Select); coding-DNA position 50, C replaced by G.
Protein change: p.Pro17Arg; replaces proline 17 with arginine.
Molecular consequence: missense variant.
Genome position (GRCh38, 1-based): chr2:58,241,264, G>C on the plus strand (C>G on the coding strand, the complement: FANCL is on the minus strand). VCF-style: chr2-58241264-G-C. GRCh37 (hg19) VCF-style: chr2-58468399-G-C.
Other names: c.50C>G, p.Pro17Arg (NM_001114636.2, NM_001374615.1, NM_001410792.1); short protein forms P17R.
Identifiers: ClinVar variation 1217241 (VCV001217241.9), dbSNP rs773768206, ClinGen allele CA1670830.